The following is an entry in ClinVar:

NM_001098668.4(SFTPA2):c.719_721del (p.Tyr240del)

Gene: SFTPA2 (surfactant protein A2; minus strand). Cytogenetic location: 10q22.3.
Variant type: Deletion.
Coding change: c.719_721del on transcript NM_001098668.4 (MANE Select); coding-DNA positions 719 to 721, 3 bases deleted (ACT; older notation c.719_721delACT).
Protein change: p.Tyr240del; deletes tyrosine 240.
Molecular consequence: inframe deletion.
Genome position (GRCh38, 1-based): chr10:79,557,235-79,557,237, AGT deleted on the plus strand (ACT on the coding strand, the reverse complement: SFTPA2 is on the minus strand); deleting any 3 consecutive bases within chr10:79,557,235-79,557,238 gives the same sequence; the c. name uses the placement nearest the transcript's 3' end. VCF-style (leftmost placement, unchanged base first): chr10-79557234-GAGT-G. GRCh37 (hg19) VCF-style: chr10-81316990-GAGT-G.
Other names: c.719_721del, p.Tyr240del (NM_001320813.2); c.749_751del, p.Tyr250del (NM_001320814.1); short protein forms Y240del, Y250del.
Identifiers: ClinVar variation 3027274 (VCV003027274.22), dbSNP rs2492316333, ClinGen allele CA2740093041.
Genomic context (GRCh38, chr10:79,557,234, plus strand): 5'-ACAGGATCCTCCCTGTCCCATGGCCTAAATGCCTCTCAGAACTCACAGATGGTCAGTCGG[GAGT>G]ACAGGCAGTTCCTGTCATTCCACTGCCCATCTGTGTACATCTCCACACACTGCTCTTTTC-3'

ClinVar aggregate classification (germline): Likely pathogenic (1 of 4 stars; one submission).

Submission:

CeGaT Center for Human Genetics Tuebingen
Classification: Likely pathogenic. Last evaluated: 2024-11-01. Review status: criteria provided, single submitter. Criteria: CeGaT Center For Human Genetics Tuebingen Variant Classification Criteria Version 2. Collection method: clinical testing. Allele origin: germline. Affected: yes. Observed: 1 variant allele.
Comment: SFTPA2: PM1, PM2, PM6, PM4:Supporting